The following is an entry in ClinVar:

NM_000116.5(TAFAZZIN):c.154G>A (p.Glu52Lys)

Gene: TAFAZZIN (tafazzin, phospholipid-lysophospholipid transacylase; plus strand). Cytogenetic location: Xq28.
Variant type: single nucleotide variant.
Coding change: c.154G>A on transcript NM_000116.5 (MANE Select); coding-DNA position 154, G replaced by A.
Protein change: p.Glu52Lys; replaces glutamic acid 52 with lysine.
Molecular consequence: missense variant. On other transcripts: non-coding transcript variant (1).
Genome position (GRCh38, 1-based): chrX:154,412,130, G>A. VCF-style: chrX-154412130-G-A. GRCh37 (hg19) VCF-style: chrX-153640467-G-A.
Other names: c.154G>A, p.Glu52Lys (NM_181313.4, NM_181311.4, NM_181312.4); c.208G>A, p.Glu70Lys (NM_001303465.2); short protein forms E52K, E70K.
Identifiers: ClinVar variation 431031 (VCV000431031.9), dbSNP rs794729166, ClinGen allele CA415179650.

ClinVar aggregate classification (germline): Uncertain significance. Review status: criteria provided, multiple submitters, no conflicts (2 of 4 stars). 4 submissions from 4 submitters: Uncertain significance (4). Last evaluated 2025-06-09.

Conditions:
3-Methylglutaconic aciduria type 2 (BTHS). Also called: Barth syndrome; CARDIOSKELETAL MYOPATHY WITH NEUTROPENIA AND ABNORMAL MITOCHONDRIA. Identifiers: Orphanet 111, MedGen C0574083, MONDO:0010543, OMIM 302060.
Caused by mutation in the tafazzin gene.

Allele frequency attached by ClinVar (database versions not stated): gnomAD exomes 0.00001; TOPMed 0.00001; gnomAD 0.00002.

Submissions (4):

Labcorp Genetics (formerly Invitae), Labcorp
Classification: Uncertain significance for 3-Methylglutaconic aciduria type 2. Last evaluated: 2025-06-09. Review status: criteria provided, single submitter. Criteria: Invitae Variant Classification Sherloc (09022015). Collection method: clinical testing. Allele origin: germline.
Comment: This sequence change replaces glutamic acid, which is acidic and polar, with lysine, which is basic and polar, at codon 52 of the TAZ protein (p.Glu52Lys). The frequency data for this variant in the population databases is considered unreliable, as metrics indicate poor data quality at this position in the gnomAD database. This missense change has been observed in individual(s) with dilated cardiomyopathy (PMID: 31737537). ClinVar contains an entry for this variant (Variation ID: 431031). An algorithm developed to predict the effect of missense changes on protein structure and function (PolyPhen-2) suggests that this variant is likely to be tolerated. In summary, the available evidence is currently insufficient to determine the role of this variant in disease. Therefore, it has been classified as a Variant of Uncertain Significance.

Revvity Omics, Revvity
Classification: Uncertain significance for 3-Methylglutaconic aciduria type 2. Last evaluated: 2021-05-08. Review status: criteria provided, single submitter. Criteria: ACMG Guidelines, 2015. Collection method: clinical testing. Allele origin: germline.

GeneDx
Classification: Uncertain significance. Last evaluated: 2021-04-06. Review status: criteria provided, single submitter. Criteria: GeneDx Variant Classification Process June 2021. Collection method: clinical testing. Allele origin: germline. Affected: yes.
Comment: In silico analysis supports that this missense variant does not alter protein structure/function; This variant is associated with the following publications: (PMID: 31737537)

MVZ Martinsried, Medicover Genetics
Classification: Uncertain significance. Last evaluated: 2016-11-16. Review status: criteria provided, single submitter. Criteria: ACMG Guidelines, 2015. Collection method: clinical testing. Allele origin: unknown. Affected: yes.

Literature cited by the submitters: PubMed 31737537 (cited by Labcorp Genetics (formerly Invitae), Labcorp).